The following is an entry in ClinVar:

ClinVar aggregate classification (germline): Likely pathogenic (1 of 4 stars; one submission).

Conditions:
Muscular dystrophy-dystroglycanopathy (congenital with brain and eye anomalies), type A14. Also called: Congenital Muscular Dystrophy-Dystroglycanopathy with Brain and Eye Anomalies Type A 14; Congenital muscular dystrophy-dystroglycanopathy with brain and eye anomalies, type A14; Muscular dystrophy-dystroglycanopathy (congenital with brain and eye anomalies), type a, 14; WALKER-WARBURG SYNDROME OR MUSCLE-EYE-BRAIN DISEASE, GMPPB-RELATED. Identifiers: Orphanet 588, MedGen C3809216, MONDO:0014140, OMIM 615350.
Muscular dystrophy-dystroglycanopathy (congenital with impaired intellectual development), type B, 14. Also called: Congenital muscular dystrophy-dystroglycanopathy with mental retardation, type B14; MUSCULAR DYSTROPHY, CONGENITAL, GMPPB-RELATED; Muscular dystrophy-dystroglycanopathy (congenital with intellectual disability), type B14. Identifiers: MedGen C3809221, MONDO:0014141, OMIM 615351.
Autosomal recessive limb-girdle muscular dystrophy type 2T. Also called: Limb-girdle muscular dystrophy-dystroglycanopathy, type C14; Muscular dystrophy-dystroglycanopathy (limb-girdle), type c, 14; MUSCULAR DYSTROPHY-DYSTROGLYCANOPATHY, LIMB-GIRDLE, GMPPB-RELATED; MUSCULAR DYSTROPHY, LIMB-GIRDLE, TYPE 2T. Identifiers: Orphanet 363623, MedGen C4518000, MONDO:0014142, OMIM 615352.

Submission:

Labcorp Genetics (formerly Invitae), Labcorp
Classification: Likely pathogenic for Autosomal recessive limb-girdle muscular dystrophy type 2T; Muscular dystrophy-dystroglycanopathy (congenital with brain and eye anomalies), type A14; Muscular dystrophy-dystroglycanopathy (congenital with impaired intellectual development), type B, 14. Last evaluated: 2025-09-08. Review status: criteria provided, single submitter. Criteria: Invitae Variant Classification Sherloc (09022015). Collection method: clinical testing. Allele origin: germline.
Comment: This variant, c.287_307del, results in the deletion of 7 amino acid(s) of the GMPPB protein (p.Leu96_Asp102del), but otherwise preserves the integrity of the reading frame. This variant is not present in population databases (gnomAD no frequency). This variant has been observed in individual(s) with clinical features of GMPPB-related conditions (internal data). In at least one individual the data is consistent with being in trans (on the opposite chromosome) from a pathogenic variant. It has also been observed to segregate with disease in related individuals. ClinVar contains an entry for this variant (Variation ID: 566671). Experimental studies and prediction algorithms are not available or were not evaluated, and the functional significance of this variant is currently unknown. In summary, the currently available evidence indicates that the variant is pathogenic, but additional data are needed to prove that conclusively. Therefore, this variant has been classified as Likely Pathogenic.

NM_021971.4(GMPPB):c.287_307del (p.Leu96_Asp102del)

Gene: GMPPB (GDP-mannose pyrophosphorylase B; minus strand). Cytogenetic location: 3p21.31.
Variant type: Deletion.
Coding change: c.287_307del on transcript NM_021971.4 (MANE Select); coding-DNA positions 287 to 307, 21 bases deleted (TACTCTCTGAGACTGCAGACC).
Protein change: p.Leu96_Asp102del.
Molecular consequence: inframe deletion.
Genome position (GRCh38, 1-based): chr3:49,723,067-49,723,087, GGTCTGCAGTCTCAGAGAGTA deleted on the plus strand (TACTCTCTGAGACTGCAGACC on the coding strand, the reverse complement: GMPPB is on the minus strand); deleting any 21 consecutive bases within chr3:49,723,067-49,723,091 gives the same sequence; the c. name uses the placement nearest the transcript's 3' end. VCF-style (leftmost placement, unchanged base first): chr3-49723066-GGGTCTGCAGTCTCAGAGAGTA-G. GRCh37 (hg19) VCF-style: chr3-49760499-GGGTCTGCAGTCTCAGAGAGTA-G.
Other names: c.287_307del, p.Leu96_Asp102del (NM_013334.4).
Identifiers: ClinVar variation 566671 (VCV000566671.6), dbSNP rs1559697587, ClinGen allele CA891843454.